The following is an entry in ClinVar:

ClinVar aggregate classification (germline): Uncertain significance (1 of 4 stars; one submission).

Allele frequency attached by ClinVar (database versions not stated): gnomAD 0.00001.
gnomAD v4.1: 1 of 1,606,446 alleles (0.000062%); no homozygotes.

Submission:

Labcorp Genetics (formerly Invitae), Labcorp
Classification: Uncertain significance. Last evaluated: 2021-01-08. Review status: criteria provided, single submitter. Criteria: Invitae Variant Classification Sherloc (09022015). Collection method: clinical testing. Allele origin: germline.
Comment: In summary, the available evidence is currently insufficient to determine the role of this variant in disease. Therefore, it has been classified as a Variant of Uncertain Significance. Algorithms developed to predict the effect of sequence changes on RNA splicing suggest that this variant may create or strengthen a splice site, but this prediction has not been confirmed by published transcriptional studies. This variant has not been reported in the literature in individuals with IFNAR2-related conditions. This variant is not present in population databases (ExAC no frequency). This sequence change falls in intron 6 of the IFNAR2 gene. It does not directly change the encoded amino acid sequence of the IFNAR2 protein.

NM_001289125.3(IFNAR2):c.541-12T>G

Genes: IFNAR2 (interferon alpha and beta receptor subunit 2; plus strand), IFNAR2-IL10RB (IFNAR2-IL10RB readthrough; plus strand). Cytogenetic location: 21q22.11.
Variant type: single nucleotide variant.
Coding change: c.541-12T>G on transcript NM_001289125.3 (MANE Select); 12 bases into the intron before coding-DNA position 541, T replaced by G.
Molecular consequence: intron variant.
Genome position (GRCh38, 1-based): chr21:33,252,650, T>G. VCF-style: chr21-33252650-T-G. GRCh37 (hg19) VCF-style: chr21-34624955-T-G.
Other names: c.541-12T>G (NM_000874.5, NM_001289128.2, NM_207584.3 and 4 more transcripts).
Identifiers: ClinVar variation 1515542 (VCV001515542.8), dbSNP rs1390446086, ClinGen allele CA638052745.